The following is an entry in ClinVar:

ClinVar aggregate classification (germline): Uncertain significance (1 of 4 stars; one submission).

Allele frequency attached by ClinVar (database versions not stated): gnomAD exomes below 0.00001.
gnomAD v4.1: 2 of 1,614,192 alleles (0.00012%); highest among the groups gnomAD compares: Non-Finnish European, 0.00017%; no homozygotes.

Submission:

Labcorp Genetics (formerly Invitae), Labcorp
Classification: Uncertain significance. Last evaluated: 2023-10-13. Review status: criteria provided, single submitter. Criteria: Invitae Variant Classification Sherloc (09022015). Collection method: clinical testing. Allele origin: germline.
Comment: This sequence change replaces phenylalanine, which is neutral and non-polar, with leucine, which is neutral and non-polar, at codon 149 of the CARD8 protein (p.Phe149Leu). This variant is present in population databases (no rsID available, gnomAD 0.0009%). This variant has not been reported in the literature in individuals affected with CARD8-related conditions. ClinVar contains an entry for this variant (Variation ID: 2002856). An algorithm developed to predict the effect of missense changes on protein structure and function (PolyPhen-2) suggests that this variant is likely to be disruptive. In summary, the available evidence is currently insufficient to determine the role of this variant in disease. Therefore, it has been classified as a Variant of Uncertain Significance.

NM_001184900.3(CARD8):c.595T>C (p.Phe199Leu)

Gene: CARD8 (caspase recruitment domain family member 8; minus strand). Cytogenetic location: 19q13.33.
Variant type: single nucleotide variant.
Coding change: c.595T>C on transcript NM_001184900.3 (MANE Select); coding-DNA position 595, T replaced by C.
Protein change: p.Phe199Leu; replaces phenylalanine 199 with leucine.
Molecular consequence: missense variant. On other transcripts: non-coding transcript variant (4).
Genome position (GRCh38, 1-based): chr19:48,230,954, A>G on the plus strand (T>C on the coding strand, the complement: CARD8 is on the minus strand). VCF-style: chr19-48230954-A-G. GRCh37 (hg19) VCF-style: chr19-48734211-A-G.
Other names: c.445T>C, p.Phe149Leu (NM_001184901.1, NM_001351783.2, NM_001351788.2 and 2 more transcripts); c.595T>C, p.Phe199Leu (NM_001184902.2, NM_001184903.1, NM_001351782.2); c.280T>C, p.Phe94Leu (NM_001351784.2, NM_001351787.2, NM_001351791.2 and 2 more transcripts); c.259T>C, p.Phe87Leu (NM_001351786.2); c.352T>C, p.Phe118Leu (NM_001351790.2); short protein forms F118L, F149L, F199L, F87L, F94L.
Identifiers: ClinVar variation 2002856 (VCV002002856.4), dbSNP rs1240178992, ClinGen allele CA406644601.